The following is an entry in ClinVar:

NM_023110.3(FGFR1):c.2259C>A (p.Asp753Glu)

Gene: FGFR1 (fibroblast growth factor receptor 1; minus strand). Cytogenetic location: 8p11.23.
Variant type: single nucleotide variant.
Coding change: c.2259C>A on transcript NM_023110.3 (MANE Select); coding-DNA position 2259, C replaced by A.
Protein change: p.Asp753Glu; replaces aspartic acid 753 with glutamic acid.
Molecular consequence: missense variant.
Genome position (GRCh38, 1-based): chr8:38,413,951, G>T on the plus strand (C>A on the coding strand, the complement: FGFR1 is on the minus strand). VCF-style: chr8-38413951-G-T. GRCh37 (hg19) VCF-style: chr8-38271469-G-T.
Other names: c.2253C>A, p.Asp751Glu (NM_001174063.2, NM_001174065.2, NM_001354367.2 and 1 more transcripts); c.2229C>A, p.Asp743Glu (NM_001174064.2); c.1992C>A, p.Asp664Glu (NM_001174066.2, NM_023105.3); c.2352C>A, p.Asp784Glu (NM_001174067.2); c.1980C>A, p.Asp660Glu (NM_001354368.2); c.2247C>A, p.Asp749Glu (NM_001354369.2, NM_001410922.1); c.1986C>A, p.Asp662Glu (NM_001354370.2, NM_023106.3); short protein forms D660E, D662E, D664E, D743E, D749E, D751E, D753E, D784E.
Identifiers: ClinVar variation 4279589 (VCV004279589.1).
Genomic context (GRCh38, chr8:38,413,951, plus strand): 5'-CTCTGGCTCTGGCACGGGCAGCCTTACCTGGTTGGAGGTCAAGGCCACGATGCGGTCCAG[G>T]TCTTCCACCAGCTGCTTGAAGGTGGGTCTCTGTGAGGGCACTGCATGCCAGCAGTCCCGC-3'
Protein context (NP_075598.2, residues 743-763): QRPTFKQLVE[Asp753Glu]LDRIVALTSN

ClinVar aggregate classification (germline): Uncertain significance (1 of 4 stars; one submission).

Conditions:
Hypogonadotropic hypogonadism 2 with or without anosmia (HH2). Also called: HYPOGONADOTROPIC HYPOGONADISM 2 WITHOUT ANOSMIA; HYPOGONADOTROPIC HYPOGONADISM 2 WITH OR WITHOUT ANOSMIA, SUSCEPTIBILITY TO; HYPOGONADOTROPIC HYPOGONADISM 2 WITHOUT ANOSMIA, SUSCEPTIBILITY TO; FGFR1-Related GnRH Deficiency (Kallmann Syndrome 2). Identifiers: Orphanet 478, MedGen C1563720, MONDO:0007844, OMIM 147950. Disease mechanism: loss of function.

Submission:

Diagnostics Services (NGS), CSIR - Centre For Cellular And Molecular Biology
Classification: Uncertain significance for Hypogonadotropic hypogonadism 2 with or without anosmia. Last evaluated: 2025-10-10. Review status: criteria provided, single submitter. Criteria: ACMG Guidelines, 2015. Collection method: clinical testing. Allele origin: germline. Affected: yes. Observed: 1 heterozygote.
Comment: The c.2259C>A variant is not present in publicly available population databases like 1000 Genomes, EVS, gnomAD and Indian Exome Database. The variant is present in our internal database, at a low frequency. This variant is associated with a publication [PMID: 29665843]. It has not been reported to the clinical databases like ClinVar, Human Gene Mutation Database (HGMD) or OMIM, in any affected individuals. In-silico pathogenicity prediction programs like SIFT, Polyphen-2, MutationTaster2, CADD, etc predicted this variant to be likely deleterious, however these predictions were not confirmed by published functional studies. This variant is present in a mutational hotspot region of the gene.

Literature cited by the submitters: PubMed 29665843.